The following is an entry in ClinVar:

ClinVar aggregate classification (germline): Pathogenic (1 of 4 stars; one submission).

Submission:

Genetic Services Laboratory, University of Chicago
Classification: Pathogenic. Last evaluated: 2018-10-12. Review status: criteria provided, single submitter. Criteria: ACMG Guidelines, 2015. Collection method: clinical testing. Allele origin: germline. Affected: yes.
Comment: DNA sequence analysis of the KIF11 gene demonstrated a one base pair deletion in exon 16, c.2105del. This pathogenic sequence change results in an amino acid frameshift and creates a premature stop codon 5 amino acids downstream of the mutation, p.Lys702Serfs*6. This pathogenic sequence change is predicted to result in an abnormal transcript, which may be degraded, or may lead to the production of a truncated KIF11 protein with potentially abnormal function. This pathogenic sequence change has not previously been described in a patient with KIF11-related disorders not has been described as a benign variant in the population databases.

NM_004523.4(KIF11):c.2105del (p.Lys702fs)

Gene: KIF11 (kinesin family member 11; plus strand). Cytogenetic location: 10q23.33.
Variant type: Deletion.
Coding change: c.2105del on transcript NM_004523.4 (MANE Select); coding-DNA position 2105, one base deleted (A; older notation c.2105delA).
Protein change: p.Lys702fs; shifts the reading frame from lysine 702.
Molecular consequence: frameshift variant.
Genome position (GRCh38, 1-based): chr10:92,637,490, A deleted; the last of 4 consecutive A bases (chr10:92,637,487-92,637,490); deleting any one gives the same sequence. VCF-style (leftmost placement, unchanged base first): chr10-92637486-CA-C. GRCh37 (hg19) VCF-style: chr10-94397243-CA-C.
Other names: short protein forms K702fs.
Identifiers: ClinVar variation 1338455 (VCV001338455.4), dbSNP rs2135919274, ClinGen allele CA2573053380.